The following is an entry in ClinVar:

ClinVar aggregate classification (germline): Uncertain significance (1 of 4 stars; one submission).

gnomAD v4.1: 1 of 1,586,150 alleles (0.000063%); highest among the groups gnomAD compares: Non-Finnish European, 0.000085%; no homozygotes.

Submission:

Ambry Genetics
Classification: Uncertain significance. Last evaluated: 2026-01-03. Review status: criteria provided, single submitter. Criteria: Ambry Variant Classification Scheme 2023. Collection method: clinical testing. Allele origin: germline.
Comment: The p.T1018I variant (also known as c.3053C>T), located in coding exon 11 of the WNK2 gene, results from a C to T substitution at nucleotide position 3053. The threonine at codon 1018 is replaced by isoleucine, an amino acid with similar properties. This amino acid position is conserved. In addition, this alteration is predicted to be tolerated by in silico analysis. Based on the available evidence, the clinical significance of this variant remains unclear.

NM_006648.4(WNK2):c.3053C>T (p.Thr1018Ile)

Gene: WNK2 (WNK lysine deficient protein kinase 2; plus strand). Cytogenetic location: 9q22.31.
Variant type: single nucleotide variant.
Coding change: c.3053C>T on transcript NM_006648.4 (MANE Select); coding-DNA position 3053, C replaced by T.
Protein change: p.Thr1018Ile; replaces threonine 1018 with isoleucine.
Molecular consequence: missense variant.
Genome position (GRCh38, 1-based): chr9:93,259,601, C>T. VCF-style: chr9-93259601-C-T. GRCh37 (hg19) VCF-style: chr9-96021883-C-T.
Other names: c.3053C>T, p.Thr1018Ile (NM_001282394.3); short protein forms T1018I.
Identifiers: ClinVar variation 4842118 (VCV004842118.1).
Genomic context (GRCh38, chr9:93,259,601, plus strand): 5'-TGCCTGTGCGCCCTGAGCCCCTCCAGCCCCACCTTCCTGAACAAGCTGCTCCAGCTGCTA[C>T]ACCAGGGAGCCAGGTAATCACCTGCTGGGCAGGGGCTCACCCTCCCAGCGTCTGGGGACC-3'
Protein context (NP_006639.3, residues 1008-1028): HLPEQAAPAA[Thr1018Ile]PGSQILLGHP